The following is an entry in ClinVar:

ClinVar aggregate classification (germline): Conflicting classifications of pathogenicity. Review status: criteria provided, conflicting classifications (1 of 4 stars). 4 submissions from 4 submitters: Uncertain significance (1); Benign (3). Last evaluated 2026-01-27.

Conditions:
Fructose-biphosphatase deficiency (FBP1D). Also called: Fructose-1,6-Bisphosphatase 1 Deficiency; Fructose 1,6 Bisphosphatase Deficiency; Fructose-1,6-Diphosphatase Deficiency. Identifiers: Orphanet 348, MedGen C0016756, MONDO:0009251, OMIM 229700.

Allele frequency attached by ClinVar (database versions not stated): ESP Exome Variant Server 0.00607; TOPMed 0.00698; 1000 Genomes Project 0.00699; 1000 Genomes Project 30x 0.00796.
gnomAD v4.1: 2,051 of 1,612,962 alleles (0.13%); highest among the groups gnomAD compares: African/African-American, 2.4%; 28 homozygotes.

Submissions (4):

Labcorp Genetics (formerly Invitae), Labcorp
Classification: Benign for Fructose-biphosphatase deficiency. Last evaluated: 2026-01-27. Review status: criteria provided, single submitter. Criteria: Invitae Variant Classification Sherloc (09022015). Collection method: clinical testing. Allele origin: germline.

Illumina Laboratory Services, Illumina
Classification: Uncertain significance for Fructose-biphosphatase deficiency. Last evaluated: 2018-01-13. Review status: criteria provided, single submitter. Criteria: ICSL Variant Classification Criteria 13 December 2019. Collection method: clinical testing. Allele origin: germline.

GeneDx
Classification: Benign. Last evaluated: 2012-11-28. Review status: criteria provided, single submitter. Criteria: GeneDx Variant Classification (06012015). Collection method: clinical testing. Allele origin: germline. Affected: yes.
Comment: This variant is considered likely benign or benign based on one or more of the following criteria: it is a conservative change, it occurs at a poorly conserved position in the protein, it is predicted to be benign by multiple in silico algorithms, and/or has population frequency not consistent with disease.

PreventionGenetics, part of Exact Sciences
Classification: Benign. Review status: criteria provided, single submitter. Criteria: ACMG Guidelines, 2015. Collection method: clinical testing. Allele origin: germline.

NM_000507.4(FBP1):c.826-15G>A

Gene: FBP1 (fructose-bisphosphatase 1; minus strand). Cytogenetic location: 9q22.32.
Variant type: single nucleotide variant.
Coding change: c.826-15G>A on transcript NM_000507.4 (MANE Select); 15 bases into the intron before coding-DNA position 826, G replaced by A.
Molecular consequence: intron variant.
Genome position (GRCh38, 1-based): chr9:94,603,587, C>T on the plus strand (G>A on the coding strand, the complement: FBP1 is on the minus strand). VCF-style: chr9-94603587-C-T. GRCh37 (hg19) VCF-style: chr9-97365869-C-T.
Other names: c.826-15G>A (NM_001127628.2).
Identifiers: ClinVar variation 137366 (VCV000137366.13), dbSNP rs148942437, ClinGen allele CA290924.